The following is an entry in ClinVar:

NM_024529.5(CDC73):c.1176G>C (p.Lys392Asn)

Gene: CDC73 (cell division cycle 73; plus strand). Cytogenetic location: 1q31.2.
Variant type: single nucleotide variant.
Coding change: c.1176G>C on transcript NM_024529.5 (MANE Select); coding-DNA position 1176, G replaced by C.
Protein change: p.Lys392Asn; replaces lysine 392 with asparagine.
Molecular consequence: missense variant.
Genome position (GRCh38, 1-based): chr1:193,233,014, G>C. VCF-style: chr1-193233014-G-C. GRCh37 (hg19) VCF-style: chr1-193202144-G-C.
Other names: short protein forms K392N.
Identifiers: ClinVar variation 531647 (VCV000531647.9), dbSNP rs767993995, ClinGen allele CA344077755.
Genomic context (GRCh38, chr1:193,233,014, plus strand): 5'-GGAATACATTGACTTTTTCTCATCTCTGTTTTTTCAAAGATTTGTCCCATCAGATGAAAA[G>C]AAGAAACAAGGTTGTCAACGAGAAAATGAAACTCTAATACAAAGAAGAAAAGACCAGATG-3'
Protein context (NP_078805.3, residues 382-402): QDLKFVPSDE[Lys392Asn]KKQGCQRENE

ClinVar aggregate classification (germline): Uncertain significance (1 of 4 stars; one submission).

Conditions:
Parathyroid carcinoma (PRTC). Also called: CDC73-Related Parathyroid Carcinoma; Parathyroid gland carcinoma. Identifiers: Orphanet 143, MedGen C0687150, MONDO:0012004, OMIM 608266, HP:0006780.

Submission:

Labcorp Genetics (formerly Invitae), Labcorp
Classification: Uncertain significance for Parathyroid carcinoma. Last evaluated: 2023-02-03. Review status: criteria provided, single submitter. Criteria: Invitae Variant Classification Sherloc (09022015). Collection method: clinical testing. Allele origin: germline.
Comment: This sequence change replaces lysine, which is basic and polar, with asparagine, which is neutral and polar, at codon 392 of the CDC73 protein (p.Lys392Asn). This variant is not present in population databases (gnomAD no frequency). This variant has not been reported in the literature in individuals affected with CDC73-related conditions. ClinVar contains an entry for this variant (Variation ID: 531647). Advanced modeling of protein sequence and biophysical properties (such as structural, functional, and spatial information, amino acid conservation, physicochemical variation, residue mobility, and thermodynamic stability) has been performed at Invitae for this missense variant, however the output from this modeling did not meet the statistical confidence thresholds required to predict the impact of this variant on CDC73 protein function. In summary, the available evidence is currently insufficient to determine the role of this variant in disease. Therefore, it has been classified as a Variant of Uncertain Significance.